The following is an entry in ClinVar:

NM_000540.3(RYR1):c.12951GCGGCGGCT[3] (p.4318RRL[3])

Gene: RYR1 (ryanodine receptor 1; plus strand). Cytogenetic location: 19q13.2.
Variant type: Microsatellite.
Coding change: c.12951GCGGCGGCT[3] on transcript NM_000540.3 (MANE Select); three copies in a row of the 9-base unit GCGGCGGCT starting at c.12951; the reference has two copies in a row; one copy, 9 bases duplicated; also written c.12960_12968dup.
Protein change: p.4318RRL[3].
Molecular consequence: inframe insertion.
Genome position (GRCh38, 1-based): chr19:38,565,294-38,565,302, GCGGCGGCT duplicated; duplicating any 9 consecutive bases within chr19:38,565,284-38,565,302 gives the same sequence; the position shown is the placement nearest the transcript's 3' end. VCF-style (leftmost placement, unchanged base first): chr19-38565283-G-GTGCGGCGGC. GRCh37 (hg19) VCF-style: chr19-39055923-G-GTGCGGCGGC.
Other names: p.Arg4321_Leu4323dup; c.12960_12968dup (NM_000540.3, NM_000540.2); c.12936GCGGCGGCT[3], p.4313RRL[3] (NM_001042723.2).
Identifiers: ClinVar variation 133044 (VCV000133044.58), dbSNP rs193922846, ClinGen allele CA024023.

ClinVar aggregate classification (germline): Uncertain significance. Review status: criteria provided, multiple submitters, no conflicts (2 of 4 stars). 8 submissions from 8 submitters: Uncertain significance (7). 1 of the submissions does not count toward it. Last evaluated 2025-11-06.

Conditions:
Central core myopathy (CMYO1A). Also called: CONGENITAL MYOPATHY 1A, AUTOSOMAL DOMINANT, WITH SUSCEPTIBILITY TO MALIGNANT HYPERTHERMIA; Central core disease; Myopathy, central fibrillar. Identifiers: Orphanet 597, MedGen C5830701, MONDO:0007294, OMIM 117000.
Malignant hyperthermia, susceptibility to, 1 (MHS1). Also called: Malignant hyperthermia suceptibility 1; Anesthesia related hyperthermia; Malignant hyperpyrexia; Fulminating hyperpyrexia; Pharmacogenic myopathy; RYR1-Related Malignant Hyperthermia Susceptibility. Identifiers: Orphanet 423, MedGen C2930980, MONDO:0007783, OMIM 145600.
King Denborough syndrome (KDS). Identifiers: MedGen C1840365, MONDO:0020485, OMIM 619542.
Congenital multicore myopathy with external ophthalmoplegia (CMYO1B). Also called: MULTICORE MYOPATHY; MULTIMINICORE DISEASE WITH EXTERNAL OPHTHALMOPLEGIA; Congenital myopathy 1B, autosomal recessive; Minicore myopathy; Minicore myopathy with external ophthalmoplegia. Identifiers: Orphanet 598, Orphanet 98905, MedGen C1850674, MONDO:0009712, OMIM 255320, HP:0003789.
Congenital myopathy with fiber type disproportion. Also called: Congenital fiber-type disproportion; Congenital fiber-type disproportion myopathy. Identifiers: Orphanet 2020, MedGen C0546264, MONDO:0009711. Inheritance: all.
RYR1-related disorder. Also called: RYR1-related condition; RYR1-related disorders. Identifiers: MedGen CN239331.

Submissions (8):

Labcorp Genetics (formerly Invitae), Labcorp
Classification: Uncertain significance for RYR1-related disorder. Last evaluated: 2025-11-06. Review status: criteria provided, single submitter. Criteria: Invitae Variant Classification Sherloc (09022015). Collection method: clinical testing. Allele origin: germline.
Comment: This variant, c.12960_12968dup, results in the insertion of 3 amino acid(s) of the RYR1 protein (p.Arg4321_Leu4323dup), but otherwise preserves the integrity of the reading frame. The frequency data for this variant in the population databases is considered unreliable, as metrics indicate poor data quality at this position in the gnomAD database. This variant has been observed in individual(s) with increased serum creatine kinase and malignant hyperthermia susceptibility (PMID: 16732084). This variant is also known as c.12959_12967dup, L4320_R4322dup, duplication of L4319 to R4321. ClinVar contains an entry for this variant (Variation ID: 133044). Algorithms developed to predict the effect of variants on gene product structure and function are not available or were not evaluated for this variant. Experimental studies have shown that this variant affects RYR1 function (PMID: 24447242). In summary, the available evidence is currently insufficient to determine the role of this variant in disease. Therefore, it has been classified as a Variant of Uncertain Significance.

Mayo Clinic Laboratories, Mayo Clinic
Classification: Uncertain significance. Last evaluated: 2024-08-28. Review status: criteria provided, single submitter. Criteria: ACMG Guidelines, 2015. Collection method: clinical testing. Allele origin: germline. Observed: 1 variant allele.

GeneDx
Classification: Uncertain significance. Last evaluated: 2024-07-16. Review status: criteria provided, single submitter. Criteria: GeneDx Variant Classification Process June 2021. Collection method: clinical testing. Allele origin: germline. Affected: yes.
Comment: Reported (as c.12959_12967dup) in an individual with elevated creatine kinase levels and malignant hyperthermia susceptibility (PMID: 16732084); Identified with a second variant in an individual that died after being exposed to extreme heat for a significant amount of time (PMID: 19223216); In-frame insertion of 3 amino acids in a non-repeat region; Not observed at significant frequency in large population cohorts (gnomAD); This variant is associated with the following publications: (PMID: 23476141, 19223216, 16732084)

Illumina Laboratory Services, Illumina
Classification: Uncertain significance. Last evaluated: 2022-09-15. Review status: criteria provided, single submitter. Criteria: ICSL CNVClassificationCriteria Aug2020. Collection method: clinical testing. Allele origin: unknown. Affected: yes.
Comment: The RYR1 c.12960_12968dup (p.Arg4321_Leu4323dup) variant results in a duplication of three amino acids in a non-repetitive region, arginine, arginine and leucine, at amino acid positions 4321, 4322 and 4323, respectively. This is an inframe event and is therefore predicted to preserve the reading frame. This variant is also referred to as c.12959_12967dup (p.Arg4320_Leu4322dup). The p.Arg4321_Leu4323dup has been reported in a heterozygous state in two individuals, an adult with elevated CK and an abnormal calcium-induced calcium release (CICR) test, and a child who expired following prolonged exposure to high temperature. However, neither were definitively diagnosed with malignant hyperthermia susceptibility at the time of reporting (PMID: 16732084; PMID: 19223216). The highest frequency of this allele in the Genome Aggregation Database is 0.000390 in the East Asian population (version 3.1.2). The p.Arg4321_Leu4323dup variant is in the CaM binding domain 3 (CaMBD3) of the RyR1 protein and isothermal titration calorimetry demonstrates that the variant results in altered binding between RyR1 and CaM, however the clinical implications of this finding are unclear (PMID: 24447242). Based on the available evidence, the c.12960_12968dup variant is classified as a variant of uncertain significance for malignant hyperthermia susceptibility.

Fulgent Genetics
Classification: Uncertain significance for Central core myopathy; Malignant hyperthermia, susceptibility to, 1; Congenital myopathy 4A, autosomal dominant; Congenital multicore myopathy with external ophthalmoplegia; King Denborough syndrome. Last evaluated: 2021-08-23. Review status: criteria provided, single submitter. Criteria: ACMG Guidelines, 2015. Collection method: clinical testing. Allele origin: unknown.

PreventionGenetics, part of Exact Sciences
Classification: Uncertain significance. Last evaluated: 2020-01-22. Review status: criteria provided, single submitter. Criteria: ACMG Guidelines, 2015. Collection method: clinical testing. Allele origin: germline.

CeGaT Center for Human Genetics Tuebingen
Classification: Uncertain significance. Last evaluated: 2017-03-01. Review status: criteria provided, single submitter. Criteria: CeGaT Center For Human Genetics Tuebingen Variant Classification Criteria Version 2. Collection method: clinical testing. Allele origin: germline. Affected: yes. Observed: 2 variant alleles.

RYR1 database
No classification provided. Review status: no classification provided. Collection method: not provided. Allele origin: unknown. Not counted in ClinVar's aggregate classification.

Literature cited by the submitters: PubMed 16732084 (cited by 3 submitters); PubMed 24447242 (cited by Labcorp Genetics (formerly Invitae), Labcorp and Illumina Laboratory Services, Illumina); PubMed 19223216 (cited by Mayo Clinic Laboratories, Mayo Clinic and Illumina Laboratory Services, Illumina); PubMed 23476141 (cited by Mayo Clinic Laboratories, Mayo Clinic).